The following is an entry in ClinVar:

NC_012920.1(MT-ND2):m.4902A>G

Gene: MT-ND2 (mitochondrially encoded NADH dehydrogenase 2; plus strand).
Variant type: single nucleotide variant.
Genome position: chrM-4902-A-G.
Identifiers: ClinVar variation 692515 (VCV000692515.1), dbSNP rs1603219664, ClinGen allele CA414778026.

ClinVar aggregate classification (germline): Uncertain significance (1 of 4 stars; one submission).

Conditions:
Leigh syndrome (NULS). Also called: Leigh's necrotizing encephalopathy; Leigh's disease; Leigh Syndrome (mtDNA deletion); Leigh Disease; Subacute necrotizing encephalopathy; Necrotizing encephalopathy infantile subacute of Leigh. Identifiers: Orphanet 506, MedGen C2931891, MONDO:0009723, OMIM 256000.

Submission:

Wong Mito Lab, Molecular and Human Genetics, Baylor College of Medicine
Classification: Uncertain significance for Leigh syndrome. Last evaluated: 2019-10-17. Review status: criteria provided, single submitter. Criteria: Modified ACMG Guidelines (Unpublished). Collection method: clinical testing. Allele origin: germline.
Comment: The NC_012920.1:m.4902A>G (YP_003024027.1:p.Ile145Val) variant in MTND2 gene is interpretated to be a Uncertain Significance variant based on the modified ACMG guidelines (unpublished). This variant meets the following evidence codes: BP4